The following is an entry in ClinVar:

NM_000526.5(KRT14):c.874G>A (p.Glu292Lys)

Gene: KRT14 (keratin 14; minus strand). Cytogenetic location: 17q21.2.
Variant type: single nucleotide variant.
Coding change: c.874G>A on transcript NM_000526.5 (MANE Select); coding-DNA position 874, G replaced by A.
Protein change: p.Glu292Lys; replaces glutamic acid 292 with lysine.
Molecular consequence: missense variant.
Genome position (GRCh38, 1-based): chr17:41,583,813, C>T on the plus strand (G>A on the coding strand, the complement: KRT14 is on the minus strand). VCF-style: chr17-41583813-C-T. GRCh37 (hg19) VCF-style: chr17-39740065-C-T.
Other names: short protein forms E292K.
Identifiers: ClinVar variation 1945963 (VCV001945963.5), dbSNP rs779824101, ClinGen allele CA8562585.

ClinVar aggregate classification (germline): Uncertain significance (1 of 4 stars; one submission).

Allele frequency attached by ClinVar (database versions not stated): gnomAD exomes below 0.00001; gnomAD 0.00001; ExAC 0.00002; TOPMed 0.00002.
gnomAD v4.1: 9 of 1,614,110 alleles (0.00056%); highest among the groups gnomAD compares: Admixed American, 0.013%; no homozygotes.

Submission:

Labcorp Genetics (formerly Invitae), Labcorp
Classification: Uncertain significance. Last evaluated: 2022-01-18. Review status: criteria provided, single submitter. Criteria: Invitae Variant Classification Sherloc (09022015). Collection method: clinical testing. Allele origin: germline.
Comment: This sequence change replaces glutamic acid, which is acidic and polar, with lysine, which is basic and polar, at codon 292 of the KRT14 protein (p.Glu292Lys). This variant is present in population databases (rs779824101, gnomAD 0.009%). This variant has not been reported in the literature in individuals affected with KRT14-related conditions. Advanced modeling of protein sequence and biophysical properties (such as structural, functional, and spatial information, amino acid conservation, physicochemical variation, residue mobility, and thermodynamic stability) performed at Invitae indicates that this missense variant is expected to disrupt KRT14 protein function. In summary, the available evidence is currently insufficient to determine the role of this variant in disease. Therefore, it has been classified as a Variant of Uncertain Significance.